The following is an entry in ClinVar:

ClinVar aggregate classification (germline): Uncertain significance. Review status: reviewed by expert panel (3 of 4 stars). 6 submissions from 6 submitters: Uncertain significance (1). 5 of the submissions do not count toward it. Last evaluated 2025-01-30.

Conditions:
GUCY2D-related recessive retinopathy. Also called: Recessive GUCY2D retinopathy. Identifiers: MedGen CN305603, MONDO:0100453.
GUCY2D-related disorder. Also called: GUCY2D-related condition.
Cone-rod dystrophy 6 (CORD6). Also called: RETINAL CONE DYSTROPHY 2; Cone dystrophy progressive. Identifiers: Orphanet 1872, MedGen C1866293, MONDO:0011143, OMIM 601777.
Leber congenital amaurosis 1 (LCA1). Also called: RETINAL BLINDNESS, CONGENITAL; Congenital absence of the rods and cones; Leber's congenital tapetoretinal degeneration; Leber's congenital tapetoretinal dysplasia; AMAUROSIS CONGENITA OF LEBER I. Identifiers: Orphanet 65, MedGen C2931258, MONDO:0008764, OMIM 204000.

Allele frequency attached by ClinVar (database versions not stated): gnomAD 0.00002 and 0.00003; TOPMed 0.00002; ExAC 0.00004; gnomAD exomes 0.00005 and 0.00006; ESP Exome Variant Server 0.00008.
gnomAD v4.1: 87 of 1,613,652 alleles (0.0054%); highest among the groups gnomAD compares: South Asian, 0.014%; no homozygotes.

Submissions (6):

ClinGen Leber Congenital Amaurosis/early Onset Retinal Dystrophy Variant Curation Expert Panel, ClinGen
Classification: Uncertain significance for GUCY2D-related recessive retinopathy. Last evaluated: 2025-01-30. Review status: reviewed by expert panel. Criteria: ClinGen LCAeoRD ACMG Specifications GUCY2D V1.0.0. Collection method: curation. Allele origin: germline. Inheritance: Autosomal recessive inheritance.
Comment: The NM_000180.4(GUCY2D):c.1618C>T (p.Arg540Cys) variant is predicted to replace the arginine at position p.540 with cysteine. This variant is present in gnomAD v4.1.0 at a total allele frequency of 0.00005391, with 87 alleles / 1,613,652 total alleles, which is lower than the ClinGen LCA/eoRD VCEP PM2_Supporting threshold of <0.0004 (PM2_Supporting). The computational predictor REVEL gives a score of 0.609, which is below the ClinGen LCA / eoRD VCEP threshold of ≥0.644 and does not predict a damaging effect on RetGC-1 protein function. Additionally, the splicing impact predictor SpliceAI gives a score of 0.02, which is below the ClinGen LCA/eoRD VCEP recommended threshold of ≥0.2 and does not strongly predict an impact on splicing. This variant was reported in individual with LCA but no second variant was identified. It was also seen heterozygously in a patient with a macular dystrophy likely caused by ABCA4 variants (PM3_not met; PMIDs:10951519, 29555955). In summary, this variant meets the criteria to be classified as a variant of uncertain significance for GUCY2D-related recessive retinopathy based on the ACMG/AMP criteria applied, as specified by the ClinGen LCA/eoRD VCEP: PM2_Supporting. (VCEP specifications version 1.0.0; date of approval 01/22/2025).

Labcorp Genetics (formerly Invitae), Labcorp
Classification: Uncertain significance for Leber congenital amaurosis 1; Cone-rod dystrophy 6. Last evaluated: 2026-02-01. Review status: criteria provided, single submitter. Criteria: Invitae Variant Classification Sherloc (09022015). Collection method: clinical testing. Allele origin: germline. Not counted in ClinVar's aggregate classification.
Comment: This sequence change replaces arginine, which is basic and polar, with cysteine, which is neutral and slightly polar, at codon 540 of the GUCY2D protein (p.Arg540Cys). This variant is present in population databases (rs61749754, gnomAD 0.008%). This missense change has been observed in individual(s) with GUCY2D-related conditions (PMID: 10951519, 29555955). ClinVar contains an entry for this variant (Variation ID: 98546). Invitae Evidence Modeling of protein sequence and biophysical properties (such as structural, functional, and spatial information, amino acid conservation, physicochemical variation, residue mobility, and thermodynamic stability) indicates that this missense variant is not expected to disrupt GUCY2D protein function with a negative predictive value of 80%. In summary, the available evidence is currently insufficient to determine the role of this variant in disease. Therefore, it has been classified as a Variant of Uncertain Significance.

PreventionGenetics, part of Exact Sciences
Classification: Uncertain significance for GUCY2D-related condition. Last evaluated: 2025-12-03. Review status: criteria provided, single submitter. Criteria: ACMG Guidelines, 2015. Collection method: clinical testing. Allele origin: germline. Not counted in ClinVar's aggregate classification.
Comment: The GUCY2D c.1618C>T variant is predicted to result in the amino acid substitution p.Arg540Cys. This variant was reported in the heterozygous state in individuals with Leber congenital amaurosis; however, at least one of these individuals harbored other potential causative variants in a different gene (Perrault et al. 2000. PubMed ID: 10951519; Birtel et al. 2018. PubMed ID: 29555955). This variant is reported in 0.0078% of alleles in individuals of European (Non-Finnish) descent in gnomAD. At this time, the clinical significance of this variant is uncertain due to the absence of conclusive functional and genetic evidence.

Blueprint Genetics
Classification: Uncertain significance. Last evaluated: 2024-09-14. Review status: criteria provided, single submitter. Criteria: ACMG Guidelines, 2015. Collection method: clinical testing. Allele origin: germline. Not counted in ClinVar's aggregate classification.

Women's Health and Genetics/Laboratory Corporation of America, LabCorp
Classification: Uncertain significance. Last evaluated: 2023-11-01. Review status: criteria provided, single submitter. Criteria: LabCorp Variant Classification Summary - May 2015. Collection method: clinical testing. Allele origin: germline. Not counted in ClinVar's aggregate classification.
Comment: Variant summary: GUCY2D c.1618C>T (p.Arg540Cys) results in a non-conservative amino acid change located in the Protein kinase domain (IPR000719) of the encoded protein sequence. Three of five in-silico tools predict a damaging effect of the variant on protein function. The variant allele was found at a frequency of 4.8e-05 in 250790 control chromosomes. This frequency is not significantly higher than estimated for a pathogenic variant in GUCY2D causing Leber Congenital Amaurosis (4.8e-05 vs 0.0022), allowing no conclusion about variant significance. c.1618C>T has been reported in the literature in individuals affected with Leber Congenital Amaurosis (Perrault_2000). This report does not provide unequivocal conclusions about association of the variant with Leber Congenital Amaurosis. To our knowledge, no experimental evidence demonstrating an impact on protein function has been reported. The following publications have been ascertained in the context of this evaluation (PMID: 29555955, 10951519). One submitter has cited clinical-significance assessments for this variant to ClinVar after 2014 and has classified the variant as uncertain significance. Based on the evidence outlined above, the variant was classified as uncertain significance.

Retina International
No classification provided. Review status: no classification provided. Collection method: not provided. Allele origin: not provided. Not counted in ClinVar's aggregate classification.

Literature cited by the submitters: PubMed 10951519 (cited by Labcorp Genetics (formerly Invitae), Labcorp and Women's Health and Genetics/Laboratory Corporation of America, LabCorp); PubMed 29555955 (cited by Labcorp Genetics (formerly Invitae), Labcorp and Women's Health and Genetics/Laboratory Corporation of America, LabCorp).

NM_000180.4(GUCY2D):c.1618C>T (p.Arg540Cys)

Gene: GUCY2D (guanylate cyclase 2D, retinal; plus strand). Cytogenetic location: 17p13.1.
Variant type: single nucleotide variant.
Coding change: c.1618C>T on transcript NM_000180.4 (MANE Select); coding-DNA position 1618, C replaced by T.
Protein change: p.Arg540Cys; replaces arginine 540 with cysteine.
Molecular consequence: missense variant.
Genome position (GRCh38, 1-based): chr17:8,007,982, C>T. VCF-style: chr17-8007982-C-T. GRCh37 (hg19) VCF-style: chr17-7911300-C-T.
Other names: NM_000180.4(GUCY2D):c.1618C>T; p.Arg540Cys; short protein forms R540C.
Identifiers: ClinVar variation 98546 (VCV000098546.7), dbSNP rs61749754, ClinGen allele CA226052.
Genomic context (GRCh38, chr17:8,007,982, plus strand): 5'-ACCTGCTAGGTGGCCCAGGGGAGTCGATCAAGTCTGGGTGCCCGCAGCATGTCAGACATT[C>T]GCAGCGGCCCCAGCCAACACTTGGACAGCCCCAACATTGGTGTCTATGAGGTGAGCCTGA-3'
Protein context (NP_000171.1, residues 530-550): SLGARSMSDI[Arg540Cys]SGPSQHLDSP